The following is an entry in ClinVar:

ClinVar aggregate classification (germline): Uncertain significance (1 of 4 stars; one submission).

Allele frequency attached by ClinVar (database versions not stated): TOPMed 0.00001; ExAC 0.00003.
gnomAD v4.1: 12 of 1,608,668 alleles (0.00075%); highest among the groups gnomAD compares: Admixed American, 0.01%; no homozygotes.

Submission:

Women's Health and Genetics/Laboratory Corporation of America, LabCorp
Classification: Uncertain significance. Last evaluated: 2023-10-30. Review status: criteria provided, single submitter. Criteria: LabCorp Variant Classification Summary - May 2015. Collection method: clinical testing. Allele origin: germline.
Comment: Variant summary: CHD5 c.*46+15G>A is located in the untranslated mRNA region downstream of the termination codon. Consensus agreement among computation tools predict no significant impact on normal splicing. However, these predictions have yet to be confirmed by functional studies. The variant allele was found at a frequency of 2.8e-05 in 248660 control chromosomes. The available data on variant occurrences in the general population are insufficient to allow any conclusion about variant significance. To our knowledge, no occurrence of c.*46+15G>A in individuals affected with Parenti-Mignot Neurodevelopmental Syndrome and no experimental evidence demonstrating its impact on protein function have been reported. No submitters have cited clinical-significance assessments for this variant to ClinVar after 2014. Based on the evidence outlined above, the variant was classified as uncertain significance.

NM_015557.3(CHD5):c.*46+15G>A

Gene: CHD5 (chromodomain helicase DNA binding protein 5; minus strand). Cytogenetic location: 1p36.31.
Variant type: single nucleotide variant.
Coding change: c.*46+15G>A on transcript NM_015557.3 (MANE Select); 15 bases into the intron after 46 bases downstream of the stop codon, G replaced by A.
Molecular consequence: intron variant.
Genome position (GRCh38, 1-based): chr1:6,106,219, C>T on the plus strand (G>A on the coding strand, the complement: CHD5 is on the minus strand). VCF-style: chr1-6106219-C-T. GRCh37 (hg19) VCF-style: chr1-6166279-C-T.
Identifiers: ClinVar variation 2637562 (VCV002637562.1), dbSNP rs756427457, ClinGen allele CA555601.